The following is an entry in ClinVar:

ClinVar aggregate classification (germline): Likely benign. Review status: criteria provided, single submitter (1 of 4 stars). 2 submissions from 2 submitters: Likely benign (1). 1 of the submissions does not count toward it. Last evaluated 2024-06-03.

Conditions:
CXCR4-related disorder. Also called: CXCR4-related condition.

gnomAD v4.1: 17 of 152,296 alleles (0.011%); highest among the groups gnomAD compares: Admixed American, 0.078%; no homozygotes.

Submissions (2):

Blueprint Genetics
Classification: Likely benign. Last evaluated: 2024-06-03. Review status: criteria provided, single submitter. Criteria: ACMG Guidelines, 2015. Collection method: clinical testing. Allele origin: germline.

PreventionGenetics, part of Exact Sciences
Classification: Likely benign for CXCR4-related condition. Last evaluated: 2024-05-01. Review status: no assertion criteria provided. Collection method: clinical testing. Allele origin: germline. Not counted in ClinVar's aggregate classification.
Comment: This variant is classified as likely benign based on ACMG/AMP sequence variant interpretation guidelines (Richards et al. 2015 PMID: 25741868, with internal and published modifications).

NM_003467.3(CXCR4):c.16-752C>T

Gene: CXCR4 (C-X-C motif chemokine receptor 4; minus strand). Cytogenetic location: 2q22.1.
Variant type: single nucleotide variant.
Coding change: c.16-752C>T on transcript NM_003467.3 (MANE Select); 752 bases into the intron before coding-DNA position 16, C replaced by T.
Molecular consequence: intron variant. On other transcripts: missense variant (2).
Genome position (GRCh38, 1-based): chr2:136,116,664, G>A on the plus strand (C>T on the coding strand, the complement: CXCR4 is on the minus strand). VCF-style: chr2-136116664-G-A. GRCh37 (hg19) VCF-style: chr2-136874234-G-A.
Other names: c.40C>T, p.Pro14Ser (NM_001348056.2, NM_001348059.2); c.-30-752C>T (NM_001348060.2); short protein forms P14S.
Identifiers: ClinVar variation 3358470 (VCV003358470.2).
Genomic context (GRCh38, chr2:136,116,664, plus strand): 5'-GGGCGCTCCTCCGGTGTGTGGGTCTCTTGCCATCCTCGTGTTTATCACTTGGCGCGTTTG[G>A]GACGTTAGGGAGCGGGGCATTTTCCTGGGTGGAGAAGGTAACGGGGTCTGCACCCGTGGT-3'